The following is an entry in ClinVar:

NM_001244926.2(PRPF4):c.1559C>T (p.Ala520Val)

Gene: PRPF4 (pre-mRNA splicing tri-snRNP complex factor PRPF4; plus strand). Cytogenetic location: 9q32.
Variant type: single nucleotide variant.
Coding change: c.1559C>T on transcript NM_001244926.2 (MANE Select); coding-DNA position 1559, C replaced by T.
Protein change: p.Ala520Val; replaces alanine 520 with valine.
Molecular consequence: missense variant. On other transcripts: non-coding transcript variant (2).
Genome position (GRCh38, 1-based): chr9:113,291,653, C>T. VCF-style: chr9-113291653-C-T. GRCh37 (hg19) VCF-style: chr9-116053933-C-T.
Other names: c.833C>T, p.Ala278Val (NM_001322266.2, NM_001322267.2); c.1562C>T, p.Ala521Val (NM_004697.5); short protein forms A520V, A521V, A278V.
Identifiers: ClinVar variation 4715249 (VCV004715249.1).

ClinVar aggregate classification (germline): Uncertain significance (1 of 4 stars; one submission).

Submission:

Labcorp Genetics (formerly Invitae), Labcorp
Classification: Uncertain significance. Last evaluated: 2025-07-10. Review status: criteria provided, single submitter. Criteria: Invitae Variant Classification Sherloc (09022015). Collection method: clinical testing. Allele origin: germline.
Comment: This sequence change replaces alanine, which is neutral and non-polar, with valine, which is neutral and non-polar, at codon 521 of the PRPF4 protein (p.Ala521Val). This variant is present in population databases (no rsID available, gnomAD 0.0009%). This variant has not been reported in the literature in individuals affected with PRPF4-related conditions. An algorithm developed to predict the effect of missense changes on protein structure and function (PolyPhen-2) suggests that this variant is likely to be tolerated. In summary, the available evidence is currently insufficient to determine the role of this variant in disease. Therefore, it has been classified as a Variant of Uncertain Significance.